The following is an entry in ClinVar:

NM_006086.4(TUBB3):c.201C>A (p.Asp67Glu)

Gene: TUBB3 (tubulin beta 3 class III; plus strand). Cytogenetic location: 16q24.3.
Variant type: single nucleotide variant.
Coding change: c.201C>A on transcript NM_006086.4 (MANE Select); coding-DNA position 201, C replaced by A.
Protein change: p.Asp67Glu; replaces aspartic acid 67 with glutamic acid.
Molecular consequence: missense variant. On other transcripts: 5 prime UTR variant (1).
Genome position (GRCh38, 1-based): chr16:89,933,502, C>A. VCF-style: chr16-89933502-C-A. GRCh37 (hg19) VCF-style: chr16-89999910-C-A.
Other names: c.-16C>A (NM_001197181.2); short protein forms D67E.
Identifiers: ClinVar variation 4888067 (VCV004888067.1).

ClinVar aggregate classification (germline): Uncertain significance (1 of 4 stars; one submission).

Submission:

GeneDx
Classification: Uncertain significance. Last evaluated: 2026-02-18. Review status: criteria provided, single submitter. Criteria: GeneDx Variant Classification Process June 2021. Collection method: clinical testing. Allele origin: germline.
Comment: Not observed at significant frequency in large population cohorts (gnomAD); Missense variants in this gene are a common cause of disease and they are underrepresented in the general population; In silico analysis supports that this missense variant has a deleterious effect on protein structure/function; Has not been previously published as pathogenic or benign to our knowledge; This variant is associated with the following publications: (PMID: 20829227, 27535533)